The following is an entry in ClinVar:

ClinVar aggregate classification (germline): Benign/Likely benign. Review status: criteria provided, multiple submitters, no conflicts (2 of 4 stars). 2 submissions from 2 submitters: Benign (1); Likely benign (1). Last evaluated 2026-05-18.

Conditions:
Neurofibromatosis, type 1 (NF1). Also called: Neurofibromatosis, type I; NEUROFIBROMATOSIS, TYPE I, SOMATIC; Peripheral type neurofibromatosis; VON RECKLINGHAUSEN DISEASE. Identifiers: Orphanet 636, MedGen C0027831, MONDO:0018975, OMIM 162200. Disease mechanism: loss of function.
Hereditary cancer-predisposing syndrome. Also called: Neoplastic Syndromes, Hereditary; Tumor predisposition; Hereditary neoplastic syndrome; Hereditary Cancer Syndrome. Identifiers: Orphanet 140162, MedGen C0027672, MeSH D009386, MONDO:0015356.
Cardiovascular phenotype. Identifiers: MedGen CN230736.

Submissions (2):

Myriad Genetics, Inc.
Classification: Benign for Neurofibromatosis, type 1. Last evaluated: 2026-05-18. Review status: criteria provided, single submitter. Criteria: Myriad Autosomal Dominant, Autosomal Recessive and X-Linked Classification Criteria (2023). Collection method: clinical testing. Allele origin: unknown.
Comment: This variant is considered benign. This variant is a silent/synonymous amino acid change and it is not expected to impact splicing.

Ambry Genetics
Classification: Likely benign for Cardiovascular phenotype; Hereditary cancer-predisposing syndrome. Last evaluated: 2022-07-11. Review status: criteria provided, single submitter. Criteria: Ambry Variant Classification Scheme 2023. Collection method: clinical testing. Allele origin: germline.

NM_001042492.3(NF1):c.2274A>G (p.Arg758=)

Gene: NF1 (neurofibromin 1; plus strand). Cytogenetic location: 17q11.2.
Variant type: single nucleotide variant.
Coding change: c.2274A>G on transcript NM_001042492.3 (MANE Select); coding-DNA position 2274, A replaced by G.
Protein change: p.Arg758=; no amino-acid change (arginine 758 retained).
Molecular consequence: synonymous variant.
Genome position (GRCh38, 1-based): chr17:31,227,240, A>G. VCF-style: chr17-31227240-A-G. GRCh37 (hg19) VCF-style: chr17-29554258-A-G.
Other names: c.2274A>G, p.Arg758= (NM_000267.4).
Identifiers: ClinVar variation 1788824 (VCV001788824.3), dbSNP rs1597713310, ClinGen allele CA499225757.
Genomic context (GRCh38, chr17:31,227,240, plus strand): 5'-TAAGTGCAGTAACTTGATTTGCTGTTGTATTTGCTTAGGAAGAGCAGCACTTCAGAAAAG[A>G]GTGATGGCACTGCTGAGGCGCATTGAGCATCCCACTGCAGGAAACACTGAGGTATGCCCT-3'
Protein context (NP_001035957.1, residues 748-768): MSTGRAALQK[Arg758=]VMALLRRIEH